The following is an entry in ClinVar:

ClinVar aggregate classification (germline): Pathogenic (1 of 4 stars; one submission).

Conditions:
Bardet-Biedl syndrome (BBS). Identifiers: Orphanet 110, MedGen C0752166, MONDO:0015229.

Submission:

Labcorp Genetics (formerly Invitae), Labcorp
Classification: Pathogenic for Bardet-Biedl syndrome. Last evaluated: 2023-03-02. Review status: criteria provided, single submitter. Criteria: Invitae Variant Classification Sherloc (09022015). Collection method: clinical testing. Allele origin: germline.
Comment: For these reasons, this variant has been classified as Pathogenic. This variant has not been reported in the literature in individuals affected with BBS9-related conditions. This variant is not present in population databases (gnomAD no frequency). This sequence change creates a premature translational stop signal (p.Ser107Phefs*8) in the BBS9 gene. It is expected to result in an absent or disrupted protein product. Loss-of-function variants in BBS9 are known to be pathogenic (PMID: 16380913, 20177705).

Literature cited by the submitters: PubMed 16380913; PubMed 20177705.

NM_198428.3(BBS9):c.319dup (p.Ser107fs)

Gene: BBS9 (Bardet-Biedl syndrome 9; plus strand). Cytogenetic location: 7p14.3.
Variant type: Duplication.
Coding change: c.319dup on transcript NM_198428.3 (MANE Select); coding-DNA position 319, one base duplicated (T; older notation c.319dupT).
Protein change: p.Ser107fs; shifts the reading frame from serine 107.
Molecular consequence: frameshift variant. On other transcripts: non-coding transcript variant (3), intron variant (4).
Genome position (GRCh38, 1-based): chr7:33,155,693, T duplicated. VCF-style (leftmost placement, unchanged base first): chr7-33155692-C-CT. GRCh37 (hg19) VCF-style: chr7-33195304-C-CT.
Other names: c.319dup, p.Ser107fs (NM_001033604.2, NM_001033605.2, NM_001348036.1 and 5 more transcripts); c.46dup, p.Ser16fs (NM_001348038.3, NM_001348039.3); c.184dup, p.Ser62fs (NM_001348042.3); c.319dup, p.Ser107Phefs (NM_001412127.2, NM_001412128.2); c.-38-21785dup (NM_001348044.3, NM_001348046.3); c.-39+2842dup (NM_001348037.3, NM_001348045.3); short protein forms S16fs, S107fs, S62fs.
Identifiers: ClinVar variation 2842113 (VCV002842113.3), dbSNP rs2535328806, ClinGen allele CA2739266401.